The following is an entry in ClinVar:

NM_000059.4(BRCA2):c.2838T>G (p.Asp946Glu)

Gene: BRCA2 (BRCA2 DNA repair associated; plus strand). Cytogenetic location: 13q13.1.
Variant type: single nucleotide variant.
Coding change: c.2838T>G on transcript NM_000059.4 (MANE Select); coding-DNA position 2838, T replaced by G.
Protein change: p.Asp946Glu; replaces aspartic acid 946 with glutamic acid.
Molecular consequence: missense variant.
Genome position (GRCh38, 1-based): chr13:32,337,193, T>G. VCF-style: chr13-32337193-T-G. GRCh37 (hg19) VCF-style: chr13-32911330-T-G.
Other names: short protein forms D946E.
Identifiers: ClinVar variation 231082 (VCV000231082.17), dbSNP rs149753706, ClinGen allele CA6940633.

ClinVar aggregate classification (germline): Conflicting classifications of pathogenicity. Review status: criteria provided, conflicting classifications (1 of 4 stars). 6 submissions from 6 submitters: Uncertain significance (3); Likely benign (2). 1 of the submissions does not count toward it. Last evaluated 2025-11-11.

Conditions:
Invasive breast carcinoma. Identifiers: MedGen C0853879, MONDO:0006256.
Hereditary cancer-predisposing syndrome. Also called: Hereditary Cancer Syndrome; Neoplastic Syndromes, Hereditary; Tumor predisposition; Hereditary neoplastic syndrome. Identifiers: Orphanet 140162, MedGen C0027672, MeSH D009386, MONDO:0015356.
Breast-ovarian cancer, familial, susceptibility to, 2 (BROVCA2). Also called: BRCA2 Hereditary Breast and Ovarian Cancer. Identifiers: Orphanet 145, MedGen C2675520, MONDO:0012933, OMIM 612555. Disease mechanism: loss of function.
Hereditary breast ovarian cancer syndrome. Also called: Hereditary breast and/or ovarian cancer syndrome; BRCA1- and BRCA2-Associated Hereditary Breast and Ovarian Cancer; Hereditary breast and ovarian cancer syndrome (HBOC); Hereditary breast and ovarian cancer; Hereditary breast and ovarian cancer syndrome; Breast and ovarian cancer. Identifiers: Orphanet 145, MedGen C0677776, MeSH D061325, MONDO:0003582. Disease mechanism: loss of function.

Allele frequency attached by ClinVar (database versions not stated): TOPMed below 0.00001; gnomAD 0.00001; gnomAD exomes 0.00002; ExAC 0.00003; 1000 Genomes Project 30x 0.00016; 1000 Genomes Project 0.00020.

Submissions (6):

Labcorp Genetics (formerly Invitae), Labcorp
Classification: Uncertain significance for Hereditary breast ovarian cancer syndrome. Last evaluated: 2025-11-11. Review status: criteria provided, single submitter. Criteria: Invitae Variant Classification Sherloc (09022015). Collection method: clinical testing. Allele origin: germline.
Comment: This sequence change replaces aspartic acid, which is acidic and polar, with glutamic acid, which is acidic and polar, at codon 946 of the BRCA2 protein (p.Asp946Glu). This variant is present in population databases (rs149753706, gnomAD 0.02%). This missense change has been observed in individual(s) with personal and/or family history of cancer (PMID: 31825140, 37804357). ClinVar contains an entry for this variant (Variation ID: 231082). Invitae Evidence Modeling of protein sequence and biophysical properties (such as structural, functional, and spatial information, amino acid conservation, physicochemical variation, residue mobility, and thermodynamic stability) indicates that this missense variant is not expected to disrupt BRCA2 protein function with a negative predictive value of 95%. In summary, the available evidence is currently insufficient to determine the role of this variant in disease. Therefore, it has been classified as a Variant of Uncertain Significance.

All of Us Research Program, National Institutes of Health
Classification: Uncertain significance for Breast-ovarian cancer, familial, susceptibility to, 2. Last evaluated: 2023-12-18. Review status: criteria provided, single submitter. Criteria: ACMG Guidelines, 2015. Collection method: clinical testing. Allele origin: germline. Inheritance: Autosomal dominant inheritance. Observed: 1 variant allele, 1 heterozygote.
Comment: This missense variant replaces aspartic acid with glutamic acid at codon 946 of the BRCA2 protein. Computational prediction suggests that this variant may not impact protein structure and function (internally defined REVEL score threshold <= 0.5, PMID: 27666373). To our knowledge, functional studies have not been reported for this variant. This variant has been detected in a breast cancer case-control meta-analysis in 1/60466 cases and 0/53461 unaffected individuals (PMID: 33471991; Leiden Open Variation Database DB-ID BRCA2_007142). This variant has been identified in 4/250634 chromosomes in the general population by the Genome Aggregation Database (gnomAD). The available evidence is insufficient to determine the role of this variant in disease conclusively. Therefore, this variant is classified as a Variant of Uncertain Significance.

This study involves interpretation of variants in research participants for the purpose of population health screening. Participant phenotype was not available at the time of variant classification. Additional details can be found in publication PMID: 35346344, PMCID: PMC8962531

Color Diagnostics, LLC DBA Color Health
Classification: Uncertain significance for Hereditary cancer-predisposing syndrome. Last evaluated: 2023-11-27. Review status: criteria provided, single submitter. Criteria: ACMG Guidelines, 2015. Collection method: clinical testing. Allele origin: germline.
Comment: This missense variant replaces aspartic acid with glutamic acid at codon 946 of the BRCA2 protein. Computational prediction suggests that this variant may not impact protein structure and function (internally defined REVEL score threshold <= 0.5, PMID: 27666373). To our knowledge, functional studies have not been reported for this variant. This variant has been detected in a breast cancer case-control meta-analysis in 1/60466 cases and 0/53461 unaffected individuals (PMID: 33471991; Leiden Open Variation Database DB-ID BRCA2_007142). This variant has been identified in 4/250634 chromosomes in the general population by the Genome Aggregation Database (gnomAD). The available evidence is insufficient to determine the role of this variant in disease conclusively. Therefore, this variant is classified as a Variant of Uncertain Significance.

Ambry Genetics
Classification: Likely benign for Hereditary cancer-predisposing syndrome. Last evaluated: 2023-11-22. Review status: criteria provided, single submitter. Criteria: Ambry Variant Classification Scheme 2023. Collection method: clinical testing. Allele origin: germline.

University of Washington Department of Laboratory Medicine, University of Washington
Classification: Likely benign for Hereditary cancer-predisposing syndrome. Last evaluated: 2023-03-23. Review status: criteria provided, single submitter. Criteria: Dines et al. (Genet Med. 2020). Collection method: curation. Allele origin: germline.
Comment: Missense variant in a coldspot region where missense variants are very unlikely to be pathogenic (PMID:31911673).

BRCA2 exon 11 coldspot. Reclassification based on statistical prior probability.

3DMed Clinical Laboratory Inc
Classification: Uncertain significance for Invasive Breast Carcinoma. Last evaluated: 2017-11-08. Review status: no assertion criteria provided. Criteria: ACMG Guidelines, 2015. Collection method: clinical testing. Allele origin: germline. Affected: yes. Not counted in ClinVar's aggregate classification.

Literature cited by the submitters: PubMed 31825140 (cited by Labcorp Genetics (formerly Invitae), Labcorp); PubMed 37804357 (cited by Labcorp Genetics (formerly Invitae), Labcorp); PubMed 33471991 (cited by All of Us Research Program, National Institutes of Health and Color Diagnostics, LLC DBA Color Health).